The following is an entry in ClinVar:

NM_000093.5(COL5A1):c.4000C>A (p.Pro1334Thr)

Gene: COL5A1 (collagen type V alpha 1 chain; plus strand). Cytogenetic location: 9q34.3.
Variant type: single nucleotide variant.
Coding change: c.4000C>A on transcript NM_000093.5 (MANE Select); coding-DNA position 4000, C replaced by A.
Protein change: p.Pro1334Thr; replaces proline 1334 with threonine.
Molecular consequence: missense variant.
Genome position (GRCh38, 1-based): chr9:134,814,890, C>A. VCF-style: chr9-134814890-C-A. GRCh37 (hg19) VCF-style: chr9-137706736-C-A.
Other names: c.4000C>A, p.Pro1334Thr (NM_001278074.1); short protein forms P1334T.
Identifiers: ClinVar variation 2502053 (VCV002502053.3), dbSNP rs759198874, ClinGen allele CA5320085.

ClinVar aggregate classification (germline): Uncertain significance. Review status: criteria provided, multiple submitters, no conflicts (2 of 4 stars). 2 submissions from 2 submitters: Uncertain significance (2). Last evaluated 2025-06-08.

Conditions:
Ehlers-Danlos syndrome, classic type, 1 (EDSCL1). Also called: EDS I; EHLERS-DANLOS SYNDROME, GRAVIS TYPE; EHLERS-DANLOS SYNDROME, SEVERE CLASSIC TYPE; Ehlers-Danlos syndrome, type 1; Ehlers-Danlos Syndrome, Classic Type, COL5A1-Related. Identifiers: MedGen C0268335, MONDO:0019567, OMIM 130000.

Allele frequency attached by ClinVar (database versions not stated): ExAC 0.00005.

Submissions (2):

Labcorp Genetics (formerly Invitae), Labcorp
Classification: Uncertain significance for Ehlers-Danlos syndrome, classic type, 1. Last evaluated: 2025-06-08. Review status: criteria provided, single submitter. Criteria: Invitae Variant Classification Sherloc (09022015). Collection method: clinical testing. Allele origin: germline.
Comment: This sequence change replaces proline, which is neutral and non-polar, with threonine, which is neutral and polar, at codon 1334 of the COL5A1 protein (p.Pro1334Thr). This variant is not present in population databases (gnomAD no frequency). This variant has not been reported in the literature in individuals affected with COL5A1-related conditions. ClinVar contains an entry for this variant (Variation ID: 2502053). Invitae Evidence Modeling of protein sequence and biophysical properties (such as structural, functional, and spatial information, amino acid conservation, physicochemical variation, residue mobility, and thermodynamic stability) has been performed for this missense variant. However, the output from this modeling did not meet the statistical confidence thresholds required to predict the impact of this variant on COL5A1 protein function. In summary, the available evidence is currently insufficient to determine the role of this variant in disease. Therefore, it has been classified as a Variant of Uncertain Significance.

GeneDx
Classification: Uncertain significance. Last evaluated: 2022-11-11. Review status: criteria provided, single submitter. Criteria: GeneDx Variant Classification Process June 2021. Collection method: clinical testing. Allele origin: germline. Affected: yes.
Comment: Not observed at significant frequency in large population cohorts (gnomAD); In silico analysis supports that this missense variant has a deleterious effect on protein structure/function; Has not been previously published as pathogenic or benign to our knowledge; Occurs in the triple helical domain at the X position in the canonical Gly-X-Y repeat; although this variant may have an effect on normal protein folding and function, missense substitution at the X position is not a common mechanism of disease (Symoens et al., 2012; HGMD); This variant is associated with the following publications: (PMID: 22696272)